The following is an entry in ClinVar:

ClinVar aggregate classification (germline): Uncertain significance (1 of 4 stars; one submission).

Conditions:
Dilated cardiomyopathy 1O (CMD1O). Also called: CARDIOMYOPATHY, DILATED, WITH VENTRICULAR TACHYCARDIA. Identifiers: Orphanet 154, MedGen C1837839, MONDO:0012062, OMIM 608569.

Submission:

Labcorp Genetics (formerly Invitae), Labcorp
Classification: Uncertain significance for Dilated cardiomyopathy 1O. Last evaluated: 2024-06-22. Review status: criteria provided, single submitter. Criteria: Invitae Variant Classification Sherloc (09022015). Collection method: clinical testing. Allele origin: germline.
Comment: This sequence change replaces methionine, which is neutral and non-polar, with valine, which is neutral and non-polar, at codon 1430 of the ABCC9 protein (p.Met1430Val). This variant is not present in population databases (gnomAD no frequency). This variant has not been reported in the literature in individuals affected with ABCC9-related conditions. Advanced modeling of protein sequence and biophysical properties (such as structural, functional, and spatial information, amino acid conservation, physicochemical variation, residue mobility, and thermodynamic stability) performed at Invitae indicates that this missense variant is not expected to disrupt ABCC9 protein function with a negative predictive value of 95%. In summary, the available evidence is currently insufficient to determine the role of this variant in disease. Therefore, it has been classified as a Variant of Uncertain Significance.

NM_020297.4(ABCC9):c.4288A>G (p.Met1430Val)

Genes: ABCC9 (ATP binding cassette subfamily C member 9; minus strand), KCNJ8-AS1 (KCNJ8 antisense RNA 1; plus strand). Cytogenetic location: 12p12.1.
Variant type: single nucleotide variant.
Coding change: c.4288A>G on transcript NM_020297.4 (MANE Select); coding-DNA position 4288, A replaced by G.
Protein change: p.Met1430Val; replaces methionine 1430 with valine.
Molecular consequence: missense variant.
Genome position (GRCh38, 1-based): chr12:21,809,879, T>C on the plus strand (A>G on the coding strand, the complement: ABCC9 is on the minus strand). VCF-style: chr12-21809879-T-C. GRCh37 (hg19) VCF-style: chr12-21962813-T-C.
Other names: c.4288A>G, p.Met1430Val (NM_001377273.1, NM_005691.4); c.3421A>G, p.Met1141Val (NM_001377274.1); short protein forms M1430V, M1141V.
Identifiers: ClinVar variation 3630917 (VCV003630917.2).
Genomic context (GRCh38, chr12:21,809,879, plus strand): 5'-ATAAAAAATAAATATGCTATTTAGGAAATATACCTAGACCTCCAGGTAGAGATTTGACCA[T>C]ATTCTTCAGCTGAGCAATTTCTAAGGCTTCCCAGAGTCTGTCATCTGTGCATTTGCACTC-3'
Protein context (NP_064693.2, residues 1420-1440): EALEIAQLKN[Met1430Val]VKSLPGGLDA